The following is an entry in ClinVar:

NM_005732.4(RAD50):c.87C>G (p.Ser29Arg)

Gene: RAD50 (RAD50 double strand break repair protein; plus strand). Cytogenetic location: 5q31.1.
Variant type: single nucleotide variant.
Coding change: c.87C>G on transcript NM_005732.4 (MANE Select); coding-DNA position 87, C replaced by G.
Protein change: p.Ser29Arg; replaces serine 29 with arginine.
Molecular consequence: missense variant.
Genome position (GRCh38, 1-based): chr5:132,557,411, C>G. VCF-style: chr5-132557411-C-G. GRCh37 (hg19) VCF-style: chr5-131893103-C-G.
Other names: short protein forms S29R.
Identifiers: ClinVar variation 3786299 (VCV003786299.1).

ClinVar aggregate classification (germline): Uncertain significance (1 of 4 stars; one submission).

Conditions:
Hereditary cancer-predisposing syndrome. Also called: Neoplastic Syndromes, Hereditary; Hereditary Cancer Syndrome; Tumor predisposition; Hereditary neoplastic syndrome. Identifiers: Orphanet 140162, MedGen C0027672, MeSH D009386, MONDO:0015356.

Submission:

Ambry Genetics
Classification: Uncertain significance for Hereditary cancer-predisposing syndrome. Last evaluated: 2025-01-25. Review status: criteria provided, single submitter. Criteria: Ambry Variant Classification Scheme 2023. Collection method: clinical testing. Allele origin: germline.
Comment: The p.S29R variant (also known as c.87C>G), located in coding exon 1 of the RAD50 gene, results from a C to G substitution at nucleotide position 87. The serine at codon 29 is replaced by arginine, an amino acid with dissimilar properties. This amino acid position is conserved. In addition, this alteration is predicted to be tolerated by in silico analysis. Based on the available evidence, the clinical significance of this variant remains unclear.